The following is an entry in ClinVar:

ClinVar aggregate classification (germline): Uncertain significance (1 of 4 stars; one submission).

Conditions:
Hereditary breast ovarian cancer syndrome. Also called: Hereditary breast and ovarian cancer syndrome; Hereditary breast and ovarian cancer syndrome (HBOC); BRCA1- and BRCA2-Associated Hereditary Breast and Ovarian Cancer; Hereditary breast and ovarian cancer; Breast and ovarian cancer; Hereditary breast and/or ovarian cancer syndrome. Identifiers: Orphanet 145, MedGen C0677776, MeSH D061325, MONDO:0003582. Disease mechanism: loss of function.

Submission:

Labcorp Genetics (formerly Invitae), Labcorp
Classification: Uncertain significance for Hereditary breast ovarian cancer syndrome. Last evaluated: 2024-04-16. Review status: criteria provided, single submitter. Criteria: Invitae Variant Classification Sherloc (09022015). Collection method: clinical testing. Allele origin: germline.
Comment: This sequence change replaces histidine, which is basic and polar, with glutamine, which is neutral and polar, at codon 114 of the BRCA2 protein (p.His114Gln). This variant is not present in population databases (gnomAD no frequency). This variant has not been reported in the literature in individuals affected with BRCA2-related conditions. Advanced modeling of protein sequence and biophysical properties (such as structural, functional, and spatial information, amino acid conservation, physicochemical variation, residue mobility, and thermodynamic stability) performed at Invitae indicates that this missense variant is not expected to disrupt BRCA2 protein function with a negative predictive value of 95%. In summary, the available evidence is currently insufficient to determine the role of this variant in disease. Therefore, it has been classified as a Variant of Uncertain Significance.

NM_000059.4(BRCA2):c.342T>G (p.His114Gln)

Gene: BRCA2 (BRCA2 DNA repair associated; plus strand). Cytogenetic location: 13q13.1.
Variant type: single nucleotide variant.
Coding change: c.342T>G on transcript NM_000059.4 (MANE Select); coding-DNA position 342, T replaced by G.
Protein change: p.His114Gln; replaces histidine 114 with glutamine.
Molecular consequence: missense variant. On other transcripts: 5 prime UTR variant (1), non-coding transcript variant (1).
Genome position (GRCh38, 1-based): chr13:32,325,101, T>G. VCF-style: chr13-32325101-T-G. GRCh37 (hg19) VCF-style: chr13-32899238-T-G.
Other names: c.342T>G, p.His114Gln (NM_001406719.1, NM_001406720.1, NM_001406721.1 and 1 more transcripts); c.-28T>G (NM_001406722.1); short protein forms H114Q.
Identifiers: ClinVar variation 3636408 (VCV003636408.2).